The following is an entry in ClinVar:

ClinVar aggregate classification (germline): Benign/Likely benign. Review status: criteria provided, multiple submitters, no conflicts (2 of 4 stars). 5 submissions from 5 submitters: Benign (1); Likely benign (2). 2 of the submissions do not count toward it. Last evaluated 2026-01-11.

Conditions:
LHX3-related disorder. Also called: LHX3-related condition.
Combined pituitary hormone deficiencies, genetic form. Also called: Pituitary hormone deficiency, combined. Identifiers: Orphanet 95494, MedGen C4273747, MONDO:0013099.

Allele frequency attached by ClinVar (database versions not stated): ESP Exome Variant Server 0.00054; gnomAD 0.00073; 1000 Genomes Project 0.00080; TOPMed 0.00085; 1000 Genomes Project 30x 0.00094.
gnomAD v4.1: 250 of 1,611,486 alleles (0.016%); highest among the groups gnomAD compares: African/African-American, 0.31%; no homozygotes.

Submissions (5):

Labcorp Genetics (formerly Invitae), Labcorp
Classification: Benign. Last evaluated: 2026-01-11. Review status: criteria provided, single submitter. Criteria: Invitae Variant Classification Sherloc (09022015). Collection method: clinical testing. Allele origin: germline.

Women's Health and Genetics/Laboratory Corporation of America, LabCorp
Classification: Likely benign. Last evaluated: 2025-05-12. Review status: criteria provided, single submitter. Criteria: LabCorp Variant Classification Summary - May 2015. Collection method: clinical testing. Allele origin: germline.

Blueprint Genetics
Classification: Likely benign. Last evaluated: 2023-06-21. Review status: criteria provided, single submitter. Criteria: ACMG Guidelines, 2015. Collection method: clinical testing. Allele origin: germline.

PreventionGenetics, part of Exact Sciences
Classification: Likely benign for LHX3-related condition. Last evaluated: 2024-03-21. Review status: no assertion criteria provided. Collection method: clinical testing. Allele origin: germline. Not counted in ClinVar's aggregate classification.
Comment: This variant is classified as likely benign based on ACMG/AMP sequence variant interpretation guidelines (Richards et al. 2015 PMID: 25741868, with internal and published modifications).

Natera, Inc.
Classification: Uncertain significance for Combined pituitary hormone deficiency. Last evaluated: 2020-01-24. Review status: no assertion criteria provided. Collection method: clinical testing. Allele origin: germline. Not counted in ClinVar's aggregate classification.

NM_178138.6(LHX3):c.705C>G (p.Arg235=)

Gene: LHX3 (LIM homeobox 3; minus strand). Cytogenetic location: 9q34.3.
Variant type: single nucleotide variant.
Coding change: c.705C>G on transcript NM_178138.6 (MANE Select); coding-DNA position 705, C replaced by G.
Protein change: p.Arg235=; no amino-acid change (arginine 235 retained).
Molecular consequence: synonymous variant.
Genome position (GRCh38, 1-based): chr9:136,198,722, G>C on the plus strand (C>G on the coding strand, the complement: LHX3 is on the minus strand). VCF-style: chr9-136198722-G-C. GRCh37 (hg19) VCF-style: chr9-139090568-G-C.
Other names: c.672C>G, p.Arg224= (NM_001363746.1); c.720C>G, p.Arg240= (NM_014564.5).
Identifiers: ClinVar variation 747247 (VCV000747247.15), dbSNP rs138595537, ClinGen allele CA5330399.